The following is an entry in ClinVar:

NM_152384.3(BBS5):c.214G>A (p.Gly72Ser)

Gene: BBS5 (Bardet-Biedl syndrome 5; plus strand). Cytogenetic location: 2q31.1.
Variant type: single nucleotide variant.
Coding change: c.214G>A on transcript NM_152384.3 (MANE Select); coding-DNA position 214, G replaced by A.
Protein change: p.Gly72Ser; replaces glycine 72 with serine.
Molecular consequence: missense variant.
Genome position (GRCh38, 1-based): chr2:169,487,811, G>A. VCF-style: chr2-169487811-G-A. GRCh37 (hg19) VCF-style: chr2-170344321-G-A.
Other names: short protein forms G72S.
Identifiers: ClinVar variation 6161 (VCV000006161.12), dbSNP rs121908581, ClinGen allele CA253784.

ClinVar aggregate classification (germline): Pathogenic/Likely pathogenic. Review status: criteria provided, multiple submitters, no conflicts (2 of 4 stars). 7 submissions from 7 submitters: Pathogenic (3); Likely pathogenic (2). 2 of the submissions do not count toward it. Last evaluated 2024-10-01.

Conditions:
BBS5-related disorder. Also called: BBS5-related condition.
Bardet-Biedl syndrome (BBS). Identifiers: Orphanet 110, MedGen C0752166, MONDO:0015229.
Bardet-Biedl syndrome 5 (BBS5). Identifiers: Orphanet 110, MedGen C3892039, MONDO:0014434, OMIM 615983.

Allele frequency attached by ClinVar (database versions not stated): gnomAD exomes below 0.00001; TOPMed below 0.00001; gnomAD 0.00001.

Submissions (7):

Lab De Baere, Eye and Developmental Genetics Lab, Ghent University
Classification: Pathogenic for Bardet-Biedl syndrome. Last evaluated: 2024-10-01. Review status: criteria provided, single submitter. Criteria: ACMG Guidelines, 2015. Collection method: research. Allele origin: inherited. Affected: yes. Observed: 1 variant allele.
Comment: ACMG/AMP guidelines: PM2, PS4, PP4_PP, PP3, PP1_PM, PM3_2

Labcorp Genetics (formerly Invitae), Labcorp
Classification: Pathogenic for Bardet-Biedl syndrome. Last evaluated: 2024-08-21. Review status: criteria provided, single submitter. Criteria: Invitae Variant Classification Sherloc (09022015). Collection method: clinical testing. Allele origin: germline.
Comment: This sequence change replaces glycine, which is neutral and non-polar, with serine, which is neutral and polar, at codon 72 of the BBS5 protein (p.Gly72Ser). This variant is present in population databases (rs121908581, gnomAD 0.01%). This missense change has been observed in individual(s) with Bardet-Biedl syndrome (PMID: 18203199). It has also been observed to segregate with disease in related individuals. ClinVar contains an entry for this variant (Variation ID: 6161). Invitae Evidence Modeling of protein sequence and biophysical properties (such as structural, functional, and spatial information, amino acid conservation, physicochemical variation, residue mobility, and thermodynamic stability) indicates that this missense variant is expected to disrupt BBS5 protein function with a positive predictive value of 80%. Algorithms developed to predict the effect of sequence changes on RNA splicing suggest that this variant may disrupt the consensus splice site. For these reasons, this variant has been classified as Pathogenic.

Genomic Medicine Center of Excellence, King Faisal Specialist Hospital and Research Centre
Classification: Likely pathogenic for Bardet-Biedl syndrome 5. Last evaluated: 2024-03-14. Review status: criteria provided, single submitter. Criteria: ACMG Guidelines, 2015. Collection method: research. Allele origin: germline.

Women's Health and Genetics/Laboratory Corporation of America, LabCorp
Classification: Pathogenic for Bardet-Biedl syndrome. Last evaluated: 2021-10-05. Review status: criteria provided, single submitter. Criteria: LabCorp Variant Classification Summary - May 2015. Collection method: clinical testing. Allele origin: germline.
Comment: Variant summary: BBS5 c.214G>A (p.Gly72Ser) results in a non-conservative amino acid change located in the first DM16 repeat (IPR014003) of the encoded protein sequence. Five of five in-silico tools predict a damaging effect of the variant on protein function. The variant allele was found at a frequency of 6.7e-06 in 149692 control chromosomes (gnomAD v3.1, genomes dataset). The variant, c.214G>A, has been reported in the literature in multiple homozygous individuals of African origin, who were affected with Bardet-Biedl Syndrome (Hjortshoj_2008, Janssen_2011, Jespersgaard_2019, Habibi_2020). These data indicate that the variant is very likely to be associated with disease. At least one publication also reported experimental evidence, and demonstrated that the variant affected ciliogenesis and impaired hedgehog signaling in fibroblasts that were derived from homozygous patients (Brunbjerg Hey_2021). One submitter has provided clinical-significance assessment for this variant in ClinVar after 2014 without evidence for independent evaluation, and classified the variant as pathogenic. Based on the evidence outlined above, the variant was classified as pathogenic.

Blueprint Genetics
Classification: Likely pathogenic for BBS5-related disorders. Last evaluated: 2020-09-23. Review status: criteria provided, single submitter. Criteria: ACMG Guidelines, 2015. Collection method: clinical testing. Allele origin: germline. Affected: yes. Observed: 1 variant allele.

Department of Clinical Genetics, Copenhagen University Hospital, Rigshospitalet
Classification: Pathogenic for Bardet-Biedl syndrome. Last evaluated: 2018-04-01. Review status: no assertion criteria provided. Collection method: research. Allele origin: unknown. Affected: yes. Study: VeluxRD. Not counted in ClinVar's aggregate classification.

OMIM
Classification: Pathogenic for BARDET-BIEDL SYNDROME 5. Last evaluated: 2008-02-15. Review status: no assertion criteria provided. Collection method: literature only. Allele origin: germline. Not counted in ClinVar's aggregate classification.

Literature cited by the submitters: PubMed 18203199 (cited by 3 submitters); PubMed 21052717 (cited by Women's Health and Genetics/Laboratory Corporation of America, LabCorp); PubMed 33572860 (cited by Women's Health and Genetics/Laboratory Corporation of America, LabCorp); PubMed 31760295 (cited by Women's Health and Genetics/Laboratory Corporation of America, LabCorp); PubMed 32641690 (cited by Women's Health and Genetics/Laboratory Corporation of America, LabCorp); PubMed 30718709 (cited by Women's Health and Genetics/Laboratory Corporation of America, LabCorp and Department of Clinical Genetics, Copenhagen University Hospital, Rigshospitalet).